The following is an entry in ClinVar:

ClinVar aggregate classification (germline): Uncertain significance (1 of 4 stars; one submission).

Conditions:
Spinocerebellar ataxia type 42. Identifiers: Orphanet 458803, MedGen C4225205, MONDO:0014776, OMIM 616795.

gnomAD v4.1: 1 of 1,613,522 alleles (0.000062%); highest among the groups gnomAD compares: East Asian, 0.0022%; no homozygotes.

Submission:

Neuberg Centre For Genomic Medicine, NCGM
Classification: Uncertain significance for Spinocerebellar ataxia type 42. Review status: criteria provided, single submitter. Criteria: ACMG Guidelines, 2015. Collection method: clinical testing. Allele origin: germline. Inheritance: Autosomal dominant inheritance. Affected: yes.
Comment: The missense variant c.4657C>G (p.Arg1553Gly) in CACNA1G gene has not been reported previously as a pathogenic variant nor as a benign variant, to our knowledge. The p.Arg1553Gly variant is novel (not in any individuals) in 1000 Genomes and allele frequency of 0.0004036% is reported in gnomAD. The amino acid Arg at position 1553 is changed to a Gly changing protein sequence and it might alter its composition and physico-chemical properties. The variant is predicted to be damaging by PolyPhen2 and the residue is conserved across species. The amino acid change p.Arg1553Gly in CACNA1G is predicted as conserved by GERP++ and PhyloP across 100 vertebrates. For these reasons, this variant has been classified as Uncertain Significance.

NM_018896.5(CACNA1G):c.4657C>G (p.Arg1553Gly)

Gene: CACNA1G (calcium voltage-gated channel subunit alpha1 G; plus strand). Cytogenetic location: 17q21.33.
Variant type: single nucleotide variant.
Coding change: c.4657C>G on transcript NM_018896.5 (MANE Select); coding-DNA position 4657, C replaced by G.
Protein change: p.Arg1553Gly; replaces arginine 1553 with glycine.
Molecular consequence: missense variant. On other transcripts: non-coding transcript variant (5).
Genome position (GRCh38, 1-based): chr17:50,607,971, C>G. VCF-style: chr17-50607971-C-G. GRCh37 (hg19) VCF-style: chr17-48685332-C-G.
Other names: c.4657C>G, p.Arg1553Gly (NM_001256324.2, NM_001256325.2, NM_001256327.2 and 9 more transcripts); c.4555C>G, p.Arg1519Gly (NM_001256326.2, NM_001256329.2, NM_001256330.2 and 1 more transcripts); c.4486C>G, p.Arg1496Gly (NM_001256332.2); c.4576C>G, p.Arg1526Gly (NM_001256359.2, NM_001256361.2); c.4582C>G, p.Arg1528Gly (NM_001256360.2); c.4588C>G, p.Arg1530Gly (NM_198376.3, NM_198379.3, NM_198382.3 and 4 more transcripts); short protein forms R1496G, R1528G, R1519G, R1530G, R1526G, R1553G.
Identifiers: ClinVar variation 2585318 (VCV002585318.1), dbSNP rs1280758772, ClinGen allele CA400259155.